The following is an entry in ClinVar:

NM_001211.6(BUB1B):c.814A>G (p.Ile272Val)

Gene: BUB1B (BUB1 mitotic checkpoint serine/threonine kinase B; plus strand). Cytogenetic location: 15q15.1.
Variant type: single nucleotide variant.
Coding change: c.814A>G on transcript NM_001211.6 (MANE Select); coding-DNA position 814, A replaced by G.
Protein change: p.Ile272Val; replaces isoleucine 272 with valine.
Molecular consequence: missense variant.
Genome position (GRCh38, 1-based): chr15:40,185,227, A>G. VCF-style: chr15-40185227-A-G. GRCh37 (hg19) VCF-style: chr15-40477428-A-G.
Other names: short protein forms I272V.
Identifiers: ClinVar variation 1413111 (VCV001413111.8), dbSNP rs775204194, ClinGen allele CA7475573.

ClinVar aggregate classification (germline): Uncertain significance (1 of 4 stars; one submission).

Conditions:
Mosaic variegated aneuploidy syndrome 1 (MVA1). Also called: Warburton-Anyane-Yeboa syndrome. Identifiers: Orphanet 1052, MedGen C1850343, MONDO:0009759, OMIM 257300.

Allele frequency attached by ClinVar (database versions not stated): gnomAD exomes 0.00001 and 0.00003; ExAC 0.00005.

Submission:

Labcorp Genetics (formerly Invitae), Labcorp
Classification: Uncertain significance for Mosaic variegated aneuploidy syndrome 1. Last evaluated: 2025-04-17. Review status: criteria provided, single submitter. Criteria: Invitae Variant Classification Sherloc (09022015). Collection method: clinical testing. Allele origin: germline.
Comment: This sequence change replaces isoleucine, which is neutral and non-polar, with valine, which is neutral and non-polar, at codon 272 of the BUB1B protein (p.Ile272Val). This variant is present in population databases (rs775204194, gnomAD 0.02%). This variant has not been reported in the literature in individuals affected with BUB1B-related conditions. ClinVar contains an entry for this variant (Variation ID: 1413111). An algorithm developed to predict the effect of missense changes on protein structure and function outputs the following: PolyPhen-2: "Benign". The valine amino acid residue is found in multiple mammalian species, which suggests that this missense change does not adversely affect protein function. In summary, the available evidence is currently insufficient to determine the role of this variant in disease. Therefore, it has been classified as a Variant of Uncertain Significance.